The following is an entry in ClinVar:

NM_004655.4(AXIN2):c.2119G>A (p.Val707Met)

Gene: AXIN2 (axin 2; minus strand). Cytogenetic location: 17q24.1.
Variant type: single nucleotide variant.
Coding change: c.2119G>A on transcript NM_004655.4 (MANE Select); coding-DNA position 2119, G replaced by A.
Protein change: p.Val707Met; replaces valine 707 with methionine.
Molecular consequence: missense variant.
Genome position (GRCh38, 1-based): chr17:65,536,342, C>T on the plus strand (G>A on the coding strand, the complement: AXIN2 is on the minus strand). VCF-style: chr17-65536342-C-T. GRCh37 (hg19) VCF-style: chr17-63532460-C-T.
Other names: c.2119G>A (NM_004655.3); c.1924G>A, p.Val642Met (NM_001363813.1); short protein forms V642M, V707M.
Identifiers: ClinVar variation 1039271 (VCV001039271.10), dbSNP rs2043914214, ClinGen allele CA400675949.

ClinVar aggregate classification (germline): Uncertain significance. Review status: criteria provided, multiple submitters, no conflicts (2 of 4 stars). 2 submissions from 2 submitters: Uncertain significance (2). Last evaluated 2023-07-13.

Conditions:
Hereditary cancer-predisposing syndrome. Also called: Neoplastic Syndromes, Hereditary; Hereditary Cancer Syndrome; Tumor predisposition; Hereditary neoplastic syndrome. Identifiers: Orphanet 140162, MedGen C0027672, MeSH D009386, MONDO:0015356.
Oligodontia-cancer predisposition syndrome. Also called: TOOTH AGENESIS-COLORECTAL CANCER SYNDROME. Identifiers: Orphanet 300576, MedGen C1837750, MONDO:0012075, OMIM 608615. Disease mechanism: loss of function.

Submissions (2):

Ambry Genetics
Classification: Uncertain significance for Hereditary cancer-predisposing syndrome. Last evaluated: 2023-07-13. Review status: criteria provided, single submitter. Criteria: Ambry Variant Classification Scheme 2023. Collection method: clinical testing. Allele origin: germline.
Comment: The p.V707M variant (also known as c.2119G>A), located in coding exon 7 of the AXIN2 gene, results from a G to A substitution at nucleotide position 2119. The valine at codon 707 is replaced by methionine, an amino acid with highly similar properties. This amino acid position is conserved. In addition, the in silico prediction for this alteration is inconclusive. Since supporting evidence is limited at this time, the clinical significance of this alteration remains unclear.

Labcorp Genetics (formerly Invitae), Labcorp
Classification: Uncertain significance for Oligodontia-cancer predisposition syndrome. Last evaluated: 2020-05-02. Review status: criteria provided, single submitter. Criteria: Invitae Variant Classification Sherloc (09022015). Collection method: clinical testing. Allele origin: germline.
Comment: This sequence change replaces valine with methionine at codon 707 of the AXIN2 protein (p.Val707Met). The valine residue is highly conserved and there is a small physicochemical difference between valine and methionine. This variant is not present in population databases (ExAC no frequency). This variant has not been reported in the literature in individuals with AXIN2-related conditions. Algorithms developed to predict the effect of missense changes on protein structure and function are either unavailable or do not agree on the potential impact of this missense change (SIFT: "Deleterious"; PolyPhen-2: "Probably Damaging"; Align-GVGD: "Class C0"). In summary, the available evidence is currently insufficient to determine the role of this variant in disease. Therefore, it has been classified as a Variant of Uncertain Significance.